The following is an entry in ClinVar:

ClinVar aggregate classification (germline): Conflicting classifications of pathogenicity. Review status: criteria provided, conflicting classifications (1 of 4 stars). 8 submissions from 8 submitters: Uncertain significance (2); Likely benign (3). 3 of the submissions do not count toward it. Last evaluated 2025-12-29.

Conditions:
Inborn genetic diseases. Identifiers: MedGen C0950123, MeSH D030342.
Autosomal recessive polycystic kidney disease (ARPKD). Also called: AR polycystic kidney disease. Identifiers: Orphanet 731, Orphanet 8378, MedGen C0085548, MeSH D017044, MONDO:0009889.
PKHD1-related disorder. Also called: PKHD1-related condition.

Allele frequency attached by ClinVar (database versions not stated): gnomAD exomes 0.00006 and 0.00015; ExAC 0.00019; TOPMed 0.00050; gnomAD 0.00052 and 0.00056; ESP Exome Variant Server 0.00054; 1000 Genomes Project 0.00100; 1000 Genomes Project 30x 0.00109.
gnomAD v4.1: 165 of 1,612,612 alleles (0.01%); highest among the groups gnomAD compares: African/African-American, 0.16%; 1 homozygote.

Submissions (8):

Labcorp Genetics (formerly Invitae), Labcorp
Classification: Likely benign for Autosomal recessive polycystic kidney disease. Last evaluated: 2025-12-29. Review status: criteria provided, single submitter. Criteria: Invitae Variant Classification Sherloc (09022015). Collection method: clinical testing. Allele origin: germline.

GeneDx
Classification: Uncertain significance. Last evaluated: 2025-09-15. Review status: criteria provided, single submitter. Criteria: GeneDx Variant Classification Process June 2021. Collection method: clinical testing. Allele origin: germline. Affected: yes.
Comment: In silico analysis suggests that this missense variant does not alter protein structure/function; Has not been previously published as pathogenic or benign to our knowledge

Blueprint Genetics
Classification: Likely benign. Last evaluated: 2024-07-30. Review status: criteria provided, single submitter. Criteria: ACMG Guidelines, 2015. Collection method: clinical testing. Allele origin: germline.

Ambry Genetics
Classification: Likely benign for Inborn genetic diseases. Last evaluated: 2022-11-10. Review status: criteria provided, single submitter. Criteria: Ambry Variant Classification Scheme 2023. Collection method: clinical testing. Allele origin: germline.

Eurofins Ntd Llc (ga)
Classification: Uncertain significance. Last evaluated: 2018-06-26. Review status: criteria provided, single submitter. Criteria: EGL ClinVar v180209 classification definitions. Collection method: clinical testing. Allele origin: germline. Observed: 3 variant alleles, 3 heterozygotes.

Genetic Services Laboratory, University of Chicago
Classification: Uncertain significance. Last evaluated: 2022-08-26. Review status: no assertion criteria provided. Collection method: clinical testing. Allele origin: germline. Affected: no. Not counted in ClinVar's aggregate classification.
Comment: DNA sequence analysis of the PKHD1 gene demonstrated a sequence change, c.10210A>G, in exon 61 that results in an amino acid change, p.Ile3404Val. This sequence change has been described in the gnomAD database with a frequency of 0.16063% in the African/African American subpopulation (dbSNP rs147612089). The p.Ile3404Val change affects a poorly conserved amino acid residue located in a domain of the PKHD1 protein that is not known to be functional. The p.Ile3404Val substitution appears to be benign using several in-silico pathogenicity prediction tools (SIFT, PolyPhen2, Align GVGD, REVEL). This sequence change does not appear to have been previously described in individuals with PKHD1-related disorders. Due to insufficient evidences and the lack of functional studies, the clinical significance of the p.Ile3404Val change remains unknown at this time.

PreventionGenetics, part of Exact Sciences
Classification: Likely benign for PKHD1-related condition. Last evaluated: 2022-04-12. Review status: no assertion criteria provided. Collection method: clinical testing. Allele origin: germline. Not counted in ClinVar's aggregate classification.
Comment: This variant is classified as likely benign based on ACMG/AMP sequence variant interpretation guidelines (Richards et al. 2015 PMID: 25741868, with internal and published modifications).

Natera, Inc.
Classification: Uncertain significance for Autosomal recessive polycystic kidney disease. Last evaluated: 2018-05-17. Review status: no assertion criteria provided. Collection method: clinical testing. Allele origin: germline. Not counted in ClinVar's aggregate classification.

NM_138694.4(PKHD1):c.10210A>G (p.Ile3404Val)

Gene: PKHD1 (PKHD1 ciliary IPT domain containing fibrocystin/polyductin; minus strand). Cytogenetic location: 6p12.3.
Variant type: single nucleotide variant.
Coding change: c.10210A>G on transcript NM_138694.4 (MANE Select); coding-DNA position 10210, A replaced by G.
Protein change: p.Ile3404Val; replaces isoleucine 3404 with valine.
Molecular consequence: missense variant.
Genome position (GRCh38, 1-based): chr6:51,659,916, T>C on the plus strand (A>G on the coding strand, the complement: PKHD1 is on the minus strand). VCF-style: chr6-51659916-T-C. GRCh37 (hg19) VCF-style: chr6-51524714-T-C.
Other names: short protein forms I3404V.
Identifiers: ClinVar variation 592250 (VCV000592250.24), dbSNP rs147612089, ClinGen allele CA3851129.